The following is an entry in ClinVar:

ClinVar aggregate classification (germline): Uncertain significance (1 of 4 stars; one submission).

Conditions:
Rubinstein-Taybi syndrome (RSTS). Identifiers: Orphanet 783, MedGen C0035934, MONDO:0019188.

Submission:

Labcorp Genetics (formerly Invitae), Labcorp
Classification: Uncertain significance for Rubinstein-Taybi syndrome. Last evaluated: 2023-06-09. Review status: criteria provided, single submitter. Criteria: Invitae Variant Classification Sherloc (09022015). Collection method: clinical testing. Allele origin: germline.
Comment: In summary, the available evidence is currently insufficient to determine the role of this variant in disease. Therefore, it has been classified as a Variant of Uncertain Significance. This variant disrupts the c.4394+5G nucleotide in the CREBBP gene. Other variant(s) that disrupt this nucleotide have been determined to be pathogenic (PMID: 25388907). This suggests that this nucleotide is clinically significant, and that variants that disrupt this position are likely to be disease-causing. Variants that disrupt the consensus splice site are a relatively common cause of aberrant splicing (PMID: 17576681, 9536098). Algorithms developed to predict the effect of sequence changes on RNA splicing suggest that this variant may disrupt the consensus splice site. This variant has not been reported in the literature in individuals affected with CREBBP-related conditions. This variant is not present in population databases (gnomAD no frequency). This sequence change falls in intron 26 of the CREBBP gene. It does not directly change the encoded amino acid sequence of the CREBBP protein. It affects a nucleotide within the consensus splice site.

Literature cited by the submitters: PubMed 25388907; PubMed 17576681; PubMed 9536098.

NM_004380.3(CREBBP):c.4394+5G>C

Gene: CREBBP (CREB binding lysine acetyltransferase; minus strand). Cytogenetic location: 16p13.3.
Variant type: single nucleotide variant.
Coding change: c.4394+5G>C on transcript NM_004380.3 (MANE Select); 5 bases into the intron after coding-DNA position 4394, G replaced by C.
Molecular consequence: intron variant.
Genome position (GRCh38, 1-based): chr16:3,738,554, C>G on the plus strand (G>C on the coding strand, the complement: CREBBP is on the minus strand). VCF-style: chr16-3738554-C-G. GRCh37 (hg19) VCF-style: chr16-3788555-C-G.
Other names: c.4280+5G>C (NM_001079846.1).
Identifiers: ClinVar variation 2700890 (VCV002700890.3), dbSNP rs2548366903, ClinGen allele CA2697549651.